The following is an entry in ClinVar:

ClinVar aggregate classification (germline): Likely pathogenic (1 of 4 stars; one submission).

Conditions:
Usher syndrome type 2A. Also called: RETINAL DISEASE IN USHER SYNDROME TYPE IIA, MODIFIER OF; USHER SYNDROME, TYPE IIA. Identifiers: Orphanet 231178, Orphanet 886, MedGen C1848634, MONDO:0010169, OMIM 276901.

Submission:

Institute of Human Genetics, University of Leipzig Medical Center
Classification: Likely pathogenic for Usher syndrome type 2A. Last evaluated: 2023-09-12. Review status: criteria provided, single submitter. Criteria: ACMG Guidelines, 2015. Collection method: clinical testing. Allele origin: unknown. Inheritance: Autosomal recessive inheritance. Affected: yes.
Comment: Criteria applied: PVS1,PM2_SUP; carrier screening

NM_206933.4(USH2A):c.4409del (p.Leu1470fs)

Gene: USH2A (usherin; minus strand). Cytogenetic location: 1q41.
Variant type: Deletion.
Coding change: c.4409del on transcript NM_206933.4 (MANE Select); coding-DNA position 4409, one base deleted (T; older notation c.4409delT).
Protein change: p.Leu1470fs; shifts the reading frame from leucine 1470.
Molecular consequence: frameshift variant.
Genome position (GRCh38, 1-based): chr1:216,175,470, A deleted on the plus strand (T on the coding strand, the reverse complement: USH2A is on the minus strand). VCF-style (leftmost placement, unchanged base first): chr1-216175469-CA-C. GRCh37 (hg19) VCF-style: chr1-216348811-CA-C.
Other names: c.4409del, p.Leu1470fs (NM_007123.6); short protein forms L1470fs.
Identifiers: ClinVar variation 2627567 (VCV002627567.2), dbSNP rs2527987922, ClinGen allele CA2574133467.
Genomic context (GRCh38, chr1:216,175,469, plus strand): 5'-AGGTGGAAACCACCTAAGATGGATTGTTGTGCTGTTGATTCCTTTAACCAGAGGTGGCCT[CA>C]GTTGTGCTGGTGCTAAATATTAGAAAACACCTGTTATATTCAAGAATTTGGTTTCTGTCT-3'